The following is an entry in ClinVar:

NM_001365088.1(SLC12A6):c.49G>T (p.Val17Leu)

Gene: SLC12A6 (solute carrier family 12 member 6; minus strand). Cytogenetic location: 15q14.
Variant type: single nucleotide variant.
Coding change: c.49G>T on transcript NM_001365088.1 (MANE Select); coding-DNA position 49, G replaced by T.
Protein change: p.Val17Leu; replaces valine 17 with leucine.
Molecular consequence: missense variant. On other transcripts: intron variant (2).
Genome position (GRCh38, 1-based): chr15:34,336,632, C>A on the plus strand (G>T on the coding strand, the complement: SLC12A6 is on the minus strand). VCF-style: chr15-34336632-C-A. GRCh37 (hg19) VCF-style: chr15-34628833-C-A.
Other names: c.22G>T, p.Val8Leu (NM_001042496.2); c.49G>T, p.Val17Leu (NM_001042497.2, NM_133647.2); c.-98-31G>T (NM_001042495.2, NM_001042494.2); short protein forms V17L, V8L.
Identifiers: ClinVar variation 3368278 (VCV003368278.1).

ClinVar aggregate classification (germline): Uncertain significance (1 of 4 stars; one submission).

Submission:

GeneDx
Classification: Uncertain significance. Last evaluated: 2024-01-28. Review status: criteria provided, single submitter. Criteria: GeneDx Variant Classification Process June 2021. Collection method: clinical testing. Allele origin: germline. Affected: yes.
Comment: Not observed at significant frequency in large population cohorts (gnomAD); In silico analysis supports that this missense variant has a deleterious effect on protein structure/function; Has not been previously published as pathogenic or benign to our knowledge.